The following is an entry in ClinVar:

NM_001329943.3(KIAA0586):c.2426C>T (p.Pro809Leu)

Gene: KIAA0586 (KIAA0586; plus strand). Cytogenetic location: 14q23.1.
Variant type: single nucleotide variant.
Coding change: c.2426C>T on transcript NM_001329943.3 (MANE Select); coding-DNA position 2426, C replaced by T.
Protein change: p.Pro809Leu; replaces proline 809 with leucine.
Molecular consequence: missense variant.
Genome position (GRCh38, 1-based): chr14:58,467,906, C>T. VCF-style: chr14-58467906-C-T. GRCh37 (hg19) VCF-style: chr14-58934624-C-T.
Other names: c.2585C>T, p.Pro862Leu (NM_001244189.2); c.2381C>T, p.Pro794Leu (NM_001244190.2); c.2171C>T, p.Pro724Leu (NM_001244191.2, NM_001329945.2, NM_001364700.1 and 1 more transcripts); c.2294C>T, p.Pro765Leu (NM_001244192.2); c.2006C>T, p.Pro669Leu (NM_001244193.2); c.2426C>T, p.Pro809Leu (NM_001329944.2, NM_001329946.2, NM_001329947.2); c.2198C>T, p.Pro733Leu (NM_014749.5); c.2198C>T (NM_014749.3); short protein forms P862L, P733L, P765L, P809L, P669L, P724L, P794L.
Identifiers: ClinVar variation 1913749 (VCV001913749.6), dbSNP rs774230301, ClinGen allele CA7205862.

ClinVar aggregate classification (germline): Uncertain significance. Review status: criteria provided, multiple submitters, no conflicts (2 of 4 stars). 2 submissions from 2 submitters: Uncertain significance (2). Last evaluated 2025-12-09.

Conditions:
Short-rib thoracic dysplasia 14 with polydactyly (SRTD14). Identifiers: Orphanet 397715, MedGen C4225286, MONDO:0014688, OMIM 616546.
Joubert syndrome 23 (JBTS23). Identifiers: Orphanet 475, MedGen C4084822, MONDO:0014664, OMIM 616490.
Inborn genetic diseases. Identifiers: MedGen C0950123, MeSH D030342.

Allele frequency attached by ClinVar (database versions not stated): ExAC 0.00001; gnomAD exomes 0.00001.
gnomAD v4.1: 8 of 1,612,612 alleles (0.0005%); highest among the groups gnomAD compares: Non-Finnish European, 0.00068%; no homozygotes.

Submissions (2):

Ambry Genetics
Classification: Uncertain significance for Inborn genetic diseases. Last evaluated: 2025-12-09. Review status: criteria provided, single submitter. Criteria: Ambry Variant Classification Scheme 2023. Collection method: clinical testing. Allele origin: germline.

Labcorp Genetics (formerly Invitae), Labcorp
Classification: Uncertain significance for Joubert syndrome 23; Short-rib thoracic dysplasia 14 with polydactyly. Last evaluated: 2022-01-11. Review status: criteria provided, single submitter. Criteria: Invitae Variant Classification Sherloc (09022015). Collection method: clinical testing. Allele origin: germline.
Comment: This variant is present in population databases (rs774230301, gnomAD 0.0009%). In summary, the available evidence is currently insufficient to determine the role of this variant in disease. Therefore, it has been classified as a Variant of Uncertain Significance. Algorithms developed to predict the effect of missense changes on protein structure and function are either unavailable or do not agree on the potential impact of this missense change (SIFT: "Deleterious"; PolyPhen-2: "Probably Damaging"; Align-GVGD: "Class C0"). This variant has not been reported in the literature in individuals affected with KIAA0586-related conditions. This sequence change replaces proline, which is neutral and non-polar, with leucine, which is neutral and non-polar, at codon 862 of the KIAA0586 protein (p.Pro862Leu).